The following is an entry in ClinVar:

NM_000059.4(BRCA2):c.2754C>G (p.Asn918Lys)

Gene: BRCA2 (BRCA2 DNA repair associated; plus strand). Cytogenetic location: 13q13.1.
Variant type: single nucleotide variant.
Coding change: c.2754C>G on transcript NM_000059.4 (MANE Select); coding-DNA position 2754, C replaced by G.
Protein change: p.Asn918Lys; replaces asparagine 918 with lysine.
Molecular consequence: missense variant.
Genome position (GRCh38, 1-based): chr13:32,337,109, C>G. VCF-style: chr13-32337109-C-G. GRCh37 (hg19) VCF-style: chr13-32911246-C-G.
Other names: c.2754C>G (NM_000059.3); short protein forms N918K.
Identifiers: ClinVar variation 1064055 (VCV001064055.11), dbSNP rs753073979, ClinGen allele CA387773648.

ClinVar aggregate classification (germline): Conflicting classifications of pathogenicity. Review status: criteria provided, conflicting classifications (1 of 4 stars). 3 submissions from 3 submitters: Uncertain significance (1); Likely benign (2). Last evaluated 2025-03-26.

Conditions:
Hereditary cancer-predisposing syndrome. Also called: Hereditary Cancer Syndrome; Hereditary neoplastic syndrome; Neoplastic Syndromes, Hereditary; Tumor predisposition. Identifiers: Orphanet 140162, MedGen C0027672, MeSH D009386, MONDO:0015356.
Hereditary breast ovarian cancer syndrome. Also called: Hereditary breast and ovarian cancer syndrome (HBOC); Breast and ovarian cancer; Hereditary breast and/or ovarian cancer syndrome; BRCA1- and BRCA2-Associated Hereditary Breast and Ovarian Cancer; Hereditary breast and ovarian cancer syndrome; Hereditary breast and ovarian cancer. Identifiers: Orphanet 145, MedGen C0677776, MeSH D061325, MONDO:0003582. Disease mechanism: loss of function.

Submissions (3):

Labcorp Genetics (formerly Invitae), Labcorp
Classification: Uncertain significance for Hereditary breast ovarian cancer syndrome. Last evaluated: 2025-03-26. Review status: criteria provided, single submitter. Criteria: Invitae Variant Classification Sherloc (09022015). Collection method: clinical testing. Allele origin: germline.
Comment: This sequence change replaces asparagine, which is neutral and polar, with lysine, which is basic and polar, at codon 918 of the BRCA2 protein (p.Asn918Lys). This variant is not present in population databases (gnomAD no frequency). This variant has not been reported in the literature in individuals affected with BRCA2-related conditions. ClinVar contains an entry for this variant (Variation ID: 1064055). Invitae Evidence Modeling of protein sequence and biophysical properties (such as structural, functional, and spatial information, amino acid conservation, physicochemical variation, residue mobility, and thermodynamic stability) indicates that this missense variant is not expected to disrupt BRCA2 protein function with a negative predictive value of 95%. In summary, the available evidence is currently insufficient to determine the role of this variant in disease. Therefore, it has been classified as a Variant of Uncertain Significance.

Ambry Genetics
Classification: Likely benign for Hereditary cancer-predisposing syndrome. Last evaluated: 2024-01-26. Review status: criteria provided, single submitter. Criteria: Ambry Variant Classification Scheme 2023. Collection method: clinical testing. Allele origin: germline.

University of Washington Department of Laboratory Medicine, University of Washington
Classification: Likely benign for Hereditary cancer-predisposing syndrome. Last evaluated: 2023-03-23. Review status: criteria provided, single submitter. Criteria: Dines et al. (Genet Med. 2020). Collection method: curation. Allele origin: germline.
Comment: Missense variant in a coldspot region where missense variants are very unlikely to be pathogenic (PMID:31911673).

BRCA2 exon 11 coldspot. Reclassification based on statistical prior probability.